The following is an entry in ClinVar:

NM_006231.4(POLE):c.3139G>A (p.Gly1047Arg)

Gene: POLE (DNA polymerase epsilon, catalytic subunit; minus strand). Cytogenetic location: 12q24.33.
Variant type: single nucleotide variant.
Coding change: c.3139G>A on transcript NM_006231.4 (MANE Select); coding-DNA position 3139, G replaced by A.
Protein change: p.Gly1047Arg; replaces glycine 1047 with arginine.
Molecular consequence: missense variant.
Genome position (GRCh38, 1-based): chr12:132,659,431, C>T on the plus strand (G>A on the coding strand, the complement: POLE is on the minus strand). VCF-style: chr12-132659431-C-T. GRCh37 (hg19) VCF-style: chr12-133236017-C-T.
Other names: c.3139G>A (NM_006231.2); short protein forms G1047R.
Identifiers: ClinVar variation 473576 (VCV000473576.9), dbSNP rs1555225676, ClinGen allele CA387391028.

ClinVar aggregate classification (germline): Uncertain significance. Review status: criteria provided, multiple submitters, no conflicts (2 of 4 stars). 3 submissions from 3 submitters: Uncertain significance (3). Last evaluated 2025-07-30.

Conditions:
Hereditary cancer-predisposing syndrome. Also called: Neoplastic Syndromes, Hereditary; Tumor predisposition; Hereditary Cancer Syndrome; Hereditary neoplastic syndrome. Identifiers: Orphanet 140162, MedGen C0027672, MeSH D009386, MONDO:0015356.
POLE-related disorder. Also called: POLE-related disorders; POLE-related condition.

Allele frequency attached by ClinVar (database versions not stated): gnomAD exomes below 0.00001; TOPMed below 0.00001.
gnomAD v4.1: 4 of 1,614,236 alleles (0.00025%); highest among the groups gnomAD compares: South Asian, 0.0011%; no homozygotes.

Submissions (3):

Labcorp Genetics (formerly Invitae), Labcorp
Classification: Uncertain significance. Last evaluated: 2025-07-30. Review status: criteria provided, single submitter. Criteria: Invitae Variant Classification Sherloc (09022015). Collection method: clinical testing. Allele origin: germline.
Comment: This sequence change replaces glycine, which is neutral and non-polar, with arginine, which is basic and polar, at codon 1047 of the POLE protein (p.Gly1047Arg). This variant is not present in population databases (gnomAD no frequency). This variant has not been reported in the literature in individuals affected with POLE-related conditions. ClinVar contains an entry for this variant (Variation ID: 473576). Invitae Evidence Modeling of protein sequence and biophysical properties (such as structural, functional, and spatial information, amino acid conservation, physicochemical variation, residue mobility, and thermodynamic stability) indicates that this missense variant is expected to disrupt POLE protein function with a positive predictive value of 80%. In summary, the available evidence is currently insufficient to determine the role of this variant in disease. Therefore, it has been classified as a Variant of Uncertain Significance.

Ambry Genetics
Classification: Uncertain significance for Hereditary cancer-predisposing syndrome. Last evaluated: 2024-01-22. Review status: criteria provided, single submitter. Criteria: Ambry Variant Classification Scheme 2023. Collection method: clinical testing. Allele origin: germline.
Comment: The p.G1047R variant (also known as c.3139G>A), located in coding exon 26 of the POLE gene, results from a G to A substitution at nucleotide position 3139. The glycine at codon 1047 is replaced by arginine, an amino acid with dissimilar properties. This amino acid position is conserved. In addition, this alteration is predicted to be deleterious by in silico analysis. Based on the available evidence, the clinical significance of this alteration remains unclear.

PreventionGenetics, part of Exact Sciences
Classification: Uncertain significance for POLE-related condition. Last evaluated: 2023-08-01. Review status: criteria provided, single submitter. Criteria: ACMG Guidelines, 2015. Collection method: clinical testing. Allele origin: germline.
Comment: The POLE c.3139G>A variant is predicted to result in the amino acid substitution p.Gly1047Arg. To our knowledge, this variant has not been reported in the literature or in a large population database, indicating this variant is rare. This variant has been interpreted as uncertain in ClinVar. At this time, the clinical significance of this variant is uncertain due to the absence of conclusive functional and genetic evidence.